The following is an entry in ClinVar:

ClinVar aggregate classification (germline): Conflicting classifications of pathogenicity. Review status: criteria provided, conflicting classifications (1 of 4 stars). 2 submissions from 2 submitters: Likely pathogenic (1); Uncertain significance (1). Last evaluated 2024-10-21.

Conditions:
COL10A1-related disorders.
Metaphyseal chondrodysplasia, Schmid type (MCDS). Also called: SPONDYLOMETAPHYSEAL DYSPLASIA, JAPANESE TYPE. Identifiers: Orphanet 174, MedGen C0265289, MONDO:0007983, OMIM 156500.

Submissions (2):

Laboratorio de Genetica e Diagnostico Molecular, Hospital Israelita Albert Einstein
Classification: Uncertain significance for Metaphyseal chondrodysplasia, Schmid type. Last evaluated: 2024-10-21. Review status: criteria provided, single submitter. Criteria: ACMG Guidelines, 2015. Collection method: clinical testing. Allele origin: germline. Affected: yes.
Comment: ACMG classification criteria: PS4 supporting, PM2 supporting, PP3 supporting

Blueprint Genetics
Classification: Likely pathogenic for COL10A1-related disorders. Last evaluated: 2021-12-29. Review status: criteria provided, single submitter. Criteria: ACMG Guidelines, 2015. Collection method: clinical testing. Allele origin: germline. Affected: yes. Observed: 1 variant allele.

NM_000493.4(COL10A1):c.2030T>A (p.Val677Glu)

Genes: COL10A1 (collagen type X alpha 1 chain; minus strand), NT5DC1 (5'-nucleotidase domain containing 1; plus strand). Cytogenetic location: 6q22.1.
Variant type: single nucleotide variant.
Coding change: c.2030T>A on transcript NM_000493.4 (MANE Select); coding-DNA position 2030, T replaced by A.
Protein change: p.Val677Glu; replaces valine 677 with glutamic acid.
Molecular consequence: missense variant. On other transcripts: intron variant (1).
Genome position (GRCh38, 1-based): chr6:116,120,086, A>T on the plus strand (T>A on the coding strand, the complement: COL10A1 is on the minus strand). VCF-style: chr6-116120086-A-T. GRCh37 (hg19) VCF-style: chr6-116441249-A-T.
Other names: c.2030T>A, p.Val677Glu (NM_001424106.1, NM_001424107.1); c.529+2141A>T (NM_152729.3); short protein forms V677E.
Identifiers: ClinVar variation 3901914 (VCV003901914.2).